The following is an entry in ClinVar:

ClinVar aggregate classification (germline): Likely benign (1 of 4 stars; one submission).

Allele frequency attached by ClinVar (database versions not stated): TOPMed below 0.00001; gnomAD 0.00001; gnomAD exomes 0.00005.
gnomAD v4.1: 81 of 1,614,066 alleles (0.005%); highest among the groups gnomAD compares: Non-Finnish European, 0.0063%; no homozygotes.

Submission:

CeGaT Center for Human Genetics Tuebingen
Classification: Likely benign. Last evaluated: 2023-11-01. Review status: criteria provided, single submitter. Criteria: CeGaT Center For Human Genetics Tuebingen Variant Classification Criteria Version 2. Collection method: clinical testing. Allele origin: germline. Affected: yes. Observed: 1 variant allele.
Comment: WNT7A: BP4, BP7

NM_004625.4(WNT7A):c.531G>A (p.Arg177=)

Genes: WNT7A (Wnt family member 7A; minus strand), LOC126806608 (P300/CBP strongly-dependent group 1 enhancer GRCh37_chr3:13895244-13896443; plus strand). Cytogenetic location: 3p25.1.
Variant type: single nucleotide variant.
Coding change: c.531G>A on transcript NM_004625.4 (MANE Select); coding-DNA position 531, G replaced by A.
Protein change: p.Arg177=; no amino-acid change (arginine 177 retained).
Molecular consequence: synonymous variant.
Genome position (GRCh38, 1-based): chr3:13,854,571, C>T on the plus strand (G>A on the coding strand, the complement: WNT7A is on the minus strand). VCF-style: chr3-13854571-C-T. GRCh37 (hg19) VCF-style: chr3-13896068-C-T.
Identifiers: ClinVar variation 2672931 (VCV002672931.23), dbSNP rs201829729, ClinGen allele CA70282685.